The following is an entry in ClinVar:

NM_000059.4(BRCA2):c.3481_3491del (p.Asp1161fs)

Gene: BRCA2 (BRCA2 DNA repair associated; plus strand). Cytogenetic location: 13q13.1.
Variant type: Deletion.
Coding change: c.3481_3491del on transcript NM_000059.4 (MANE Select); coding-DNA positions 3481 to 3491, 11 bases deleted (GATGCTGATCT).
Protein change: p.Asp1161fs; shifts the reading frame from aspartic acid 1161.
Molecular consequence: frameshift variant.
Genome position (GRCh38, 1-based): chr13:32,337,836-32,337,846, GATGCTGATCT deleted. VCF-style (leftmost placement, unchanged base first): chr13-32337835-AGATGCTGATCT-A. GRCh37 (hg19) VCF-style: chr13-32911972-AGATGCTGATCT-A.
Other names: c.3481_3491delGATGCTGATCT (NM_000059.3).
Identifiers: ClinVar variation 433778 (VCV000433778.3), dbSNP rs1555283262, ClinGen allele CA645372957.

ClinVar aggregate classification (germline): Pathogenic. Review status: reviewed by expert panel (3 of 4 stars). 2 submissions from 2 submitters: Pathogenic (1). 1 of the submissions does not count toward it. Last evaluated 2017-12-15.

Conditions:
Breast-ovarian cancer, familial, susceptibility to, 2 (BROVCA2). Also called: BRCA2 Hereditary Breast and Ovarian Cancer. Identifiers: Orphanet 145, MedGen C2675520, MONDO:0012933, OMIM 612555. Disease mechanism: loss of function.
Malignant tumor of breast. Also called: Malignant breast neoplasm; Cancer breast. Identifiers: MedGen C0006142, MONDO:0007254. Disease mechanism: loss of function.

Submissions (2):

Evidence-based Network for the Interpretation of Germline Mutant Alleles (ENIGMA)
Classification: Pathogenic for Breast-ovarian cancer, familial, susceptibility to, 2. Last evaluated: 2017-12-15. Review status: reviewed by expert panel. Criteria: ENIGMA BRCA1/2 Classification Criteria (2017-06-29). Collection method: curation. Allele origin: germline. Study: ENIGMA.
Comment: Variant allele predicted to encode a truncated non-functional protein.

Department of Pathology and Laboratory Medicine, Sinai Health System
Classification: Pathogenic for Malignant tumor of breast. Review status: no assertion criteria provided. Collection method: clinical testing. Allele origin: unknown. Affected: yes. Study: The Canadian Open Genetics Repository (COGR). Not counted in ClinVar's aggregate classification.
Comment: The BRCA1 p.Glu1161PhefsX3 variant was identified in 31 of 5602 proband chromosomes (frequency: 0.006) from individuals or families with Breast or Ovarian cancer and was not identified in 324 control chromosomes from healthy individuals (Janezic, 1999; Diez, 2003; Muller, 2004; Borg, 2010). The variant was also identified in dbSNP (ID: rs80357877) â€šÃ„ÃºWith other alleleâ€šÃ„Ã¹, HGMD, LOVD, COSMIC, the BIC database (64X with clinical importance), and UMD (215X as a causal variant). The p.Glu1161PhefsX3 deletion variant is predicted to cause a frameshift, which alters the protein's amino acid sequence beginning at codon 1161 and leads to a premature stop codon 3 codons downstream. This alteration is then predicted to result in a truncated or absent protein and loss of function. Loss of function variants of the BRCA1 gene are an established mechanism of disease in hereditary breast and ovarian cancer and is the type of variant expected to cause the disorder. In summary, based on the above information, this variant meets our laboratoryâ€šÃ„Ã´s criteria to be classified as pathogenic.